The following is an entry in ClinVar:

NM_006846.4(SPINK5):c.1540C>A (p.His514Asn)

Gene: SPINK5 (serine peptidase inhibitor Kazal type 5; plus strand). Cytogenetic location: 5q32.
Variant type: single nucleotide variant.
Coding change: c.1540C>A on transcript NM_006846.4 (MANE Select); coding-DNA position 1540, C replaced by A.
Protein change: p.His514Asn; replaces histidine 514 with asparagine.
Molecular consequence: missense variant.
Genome position (GRCh38, 1-based): chr5:148,107,097, C>A. VCF-style: chr5-148107097-C-A. GRCh37 (hg19) VCF-style: chr5-147486660-C-A.
Other names: c.1540C>A, p.His514Asn (NM_001127698.2, NM_001127699.2); short protein forms H514N.
Identifiers: ClinVar variation 906492 (VCV000906492.11), dbSNP rs189170702, ClinGen allele CA3495651.
Genomic context (GRCh38, chr5:148,107,097, plus strand): 5'-GAAATCTGCAGTGAATTTCGGGACCAAGTGAGGAATGGAACACTTATATGCACCAGGGAG[C>A]ATAATCCTGTCCGTGGCCCAGATGGCAAAATGCATGGAAACAAGTGTGCCATGTGTGCCA-3'
Protein context (NP_006837.2, residues 504-524): RNGTLICTRE[His514Asn]NPVRGPDGKM

ClinVar aggregate classification (germline): Conflicting classifications of pathogenicity. Review status: criteria provided, conflicting classifications (1 of 4 stars). 4 submissions from 4 submitters: Uncertain significance (3); Likely benign (1). Last evaluated 2022-07-25.

Conditions:
Netherton syndrome (NETH). Also called: ERYTHRODERMA, ICHTHYOSIFORM, WITH HYPOTRICHOSIS AND HYPER-IgE; NETHERTON DISEASE; COMEL-NETHERTON SYNDROME. Identifiers: Orphanet 634, MedGen C5574950, MONDO:0009735, OMIM 256500.

Allele frequency attached by ClinVar (database versions not stated): 1000 Genomes Project 30x 0.00016; 1000 Genomes Project 0.00020; gnomAD exomes 0.00003 and 0.00007; gnomAD 0.00004 and 0.00007; TOPMed 0.00004; ExAC 0.00007.
gnomAD v4.1: 52 of 1,613,284 alleles (0.0032%); highest among the groups gnomAD compares: East Asian, 0.11%; no homozygotes.

Submissions (4):

Labcorp Genetics (formerly Invitae), Labcorp
Classification: Uncertain significance for Ichthyosis linearis circumflexa. Last evaluated: 2022-07-25. Review status: criteria provided, single submitter. Criteria: Invitae Variant Classification Sherloc (09022015). Collection method: clinical testing. Allele origin: germline.
Comment: This sequence change replaces histidine, which is basic and polar, with asparagine, which is neutral and polar, at codon 514 of the SPINK5 protein (p.His514Asn). This variant is present in population databases (rs189170702, gnomAD 0.1%). This variant has not been reported in the literature in individuals affected with SPINK5-related conditions. ClinVar contains an entry for this variant (Variation ID: 906492). Algorithms developed to predict the effect of missense changes on protein structure and function output the following: SIFT: "Tolerated"; PolyPhen-2: "Benign"; Align-GVGD: "Class C0". The asparagine amino acid residue is found in multiple mammalian species, which suggests that this missense change does not adversely affect protein function. In summary, the available evidence is currently insufficient to determine the role of this variant in disease. Therefore, it has been classified as a Variant of Uncertain Significance.

Fulgent Genetics
Classification: Uncertain significance for Netherton syndrome. Last evaluated: 2021-11-11. Review status: criteria provided, single submitter. Criteria: ACMG Guidelines, 2015. Collection method: clinical testing. Allele origin: unknown.

Blueprint Genetics
Classification: Likely benign. Last evaluated: 2021-01-13. Review status: criteria provided, single submitter. Criteria: ACMG Guidelines, 2015. Collection method: clinical testing. Allele origin: germline.

Illumina Laboratory Services, Illumina
Classification: Uncertain significance for Netherton syndrome. Last evaluated: 2018-01-13. Review status: criteria provided, single submitter. Criteria: ICSL Variant Classification Criteria 13 December 2019. Collection method: clinical testing. Allele origin: germline.